The following is an entry in ClinVar:

ClinVar aggregate classification (germline): Pathogenic (1 of 4 stars; one submission).

Conditions:
Primary ciliary dyskinesia 3. Identifiers: Orphanet 244, MedGen C1837618, MONDO:0012085, OMIM 608644.

Submission:

Myriad Genetics, Inc.
Classification: Pathogenic for Primary ciliary dyskinesia 3. Last evaluated: 2024-05-14. Review status: criteria provided, single submitter. Criteria: Myriad Autosomal Dominant, Autosomal Recessive and X-Linked Classification Criteria (2023). Collection method: clinical testing. Allele origin: unknown.
Comment: NM_001369.2(DNAH5):c.2530_2538del9ins2(P844Mfs*4) is expected to be pathogenic in the context of primary ciliary dyskinesia, DNAH5-related. This variant is predicted to lead to an abnormal or absent protein product due to the creation of a premature termination codon in DNAH5, a gene where loss-of-function variants are known to be pathogenic. Please note: this variant was assessed in the context of healthy population screening.

NM_001369.3(DNAH5):c.2530_2538delinsAT (p.Pro844fs)

Genes: DNAH5 (dynein axonemal heavy chain 5; minus strand), DNAH5-AS1 (DNAH5 antisense RNA 1; plus strand). Cytogenetic location: 5p15.2.
Variant type: Indel.
Coding change: c.2530_2538delinsAT on transcript NM_001369.3 (MANE Select); coding-DNA positions 2530 to 2538, CCCCAGGAG replaced by AT.
Protein change: p.Pro844fs; shifts the reading frame from proline 844.
Molecular consequence: frameshift variant.
Genome position (GRCh38, 1-based): chr5:13,891,015-13,891,023, CTCCTGGGG replaced by AT on the plus strand (CCCCAGGAG replaced by AT on the coding strand, the reverse complement: DNAH5 is on the minus strand). VCF-style: chr5-13891015-CTCCTGGGG-AT. GRCh37 (hg19) VCF-style: chr5-13891124-CTCCTGGGG-AT.
Other names: short protein forms P844fs.
Identifiers: ClinVar variation 5010385 (VCV005010385.1).
Genomic context (GRCh38, chr5:13,891,015, plus strand): 5'-AAAAATCAAGGTTTTAATGACCTTTGTCATTTGGAGAAACTCTTCACAGGTTAGTGGCTC[CTCCTGGGG>AT]AAGCTGACAAAGAGGCGTGCTGCTCATTTCTTCTAGAATGGCATCAATGCGGAACTCAAT-3'